The following is an entry in ClinVar:

ClinVar aggregate classification (germline): Likely benign. Review status: criteria provided, single submitter (1 of 4 stars). 2 submissions from 2 submitters: Likely benign (1). 1 of the submissions does not count toward it. Last evaluated 2020-09-04.

Conditions:
SHANK1-related disorder. Also called: SHANK1-related condition.

Allele frequency attached by ClinVar (database versions not stated): ExAC 0.00002; gnomAD exomes 0.00006; gnomAD 0.00007; ESP Exome Variant Server 0.00008.
gnomAD v4.1: 90 of 1,609,848 alleles (0.0056%); highest among the groups gnomAD compares: Middle Eastern, 0.016%; no homozygotes.

Submissions (2):

Blueprint Genetics
Classification: Likely benign. Last evaluated: 2020-09-04. Review status: criteria provided, single submitter. Criteria: ACMG Guidelines, 2015. Collection method: clinical testing. Allele origin: germline.

PreventionGenetics, part of Exact Sciences
Classification: Likely benign for SHANK1-related condition. Last evaluated: 2019-10-28. Review status: no assertion criteria provided. Collection method: clinical testing. Allele origin: germline. Not counted in ClinVar's aggregate classification.
Comment: This variant is classified as likely benign based on ACMG/AMP sequence variant interpretation guidelines (Richards et al. 2015 PMID: 25741868, with internal and published modifications).

NM_016148.5(SHANK1):c.6267G>A (p.Pro2089=)

Gene: SHANK1 (SH3 and multiple ankyrin repeat domains 1; minus strand). Cytogenetic location: 19q13.33.
Variant type: single nucleotide variant.
Coding change: c.6267G>A on transcript NM_016148.5 (MANE Select); coding-DNA position 6267, G replaced by A.
Protein change: p.Pro2089=; no amino-acid change (proline 2089 retained).
Molecular consequence: synonymous variant.
Genome position (GRCh38, 1-based): chr19:50,662,184, C>T on the plus strand (G>A on the coding strand, the complement: SHANK1 is on the minus strand). VCF-style: chr19-50662184-C-T. GRCh37 (hg19) VCF-style: chr19-51165441-C-T.
Identifiers: ClinVar variation 3045093 (VCV003045093.3), dbSNP rs370010826, ClinGen allele CA9600812.